The following is an entry in ClinVar:

ClinVar aggregate classification (germline): Uncertain significance. Review status: criteria provided, single submitter (1 of 4 stars). 2 submissions from 2 submitters: Uncertain significance (1). 1 of the submissions does not count toward it. Last evaluated 2022-03-12.

Conditions:
Familial long QT syndrome (RWS). Also called: Congenital long QT syndrome; Romano-Ward syndrome; VENTRICULAR FIBRILLATION WITH PROLONGED QT INTERVAL. Identifiers: Orphanet 768, MedGen C1141890, MONDO:0019171.
Long QT syndrome (LQTS). Identifiers: MedGen C0023976, MeSH D008133, MONDO:0002442. Disease mechanism: loss of function. Inheritance: Various modes of inheritance.

Submissions (2):

Labcorp Genetics (formerly Invitae), Labcorp
Classification: Uncertain significance for Long QT syndrome. Last evaluated: 2022-03-12. Review status: criteria provided, single submitter. Criteria: Invitae Variant Classification Sherloc (09022015). Collection method: clinical testing. Allele origin: germline.
Comment: In summary, the available evidence is currently insufficient to determine the role of this variant in disease. Therefore, it has been classified as a Variant of Uncertain Significance. Algorithms developed to predict the effect of missense changes on protein structure and function (SIFT, PolyPhen-2, Align-GVGD) all suggest that this variant is likely to be disruptive. ClinVar contains an entry for this variant (Variation ID: 53046). This missense change has been observed in individual(s) with clinical features of long QT syndrome (PMID: 10220146, 10973849). This variant is not present in population databases (gnomAD no frequency). This sequence change replaces phenylalanine, which is neutral and non-polar, with cysteine, which is neutral and slightly polar, at codon 157 of the KCNQ1 protein (p.Phe157Cys).

Cardiovascular Biomedical Research Unit, Royal Brompton & Harefield NHS Foundation Trust
No classification provided. Condition: Familial long QT syndrome. Review status: no classification provided. Collection method: literature only. Allele origin: germline. Not counted in ClinVar's aggregate classification.
Comment: This variant has been reported as associated with Long QT syndrome in the following publications (PMID:10220146;PMID:10482963). This is a literature report, and does not necessarily reflect the clinical interpretation of the Imperial College / Royal Brompton Cardiovascular Genetics laboratory.

Literature cited by the submitters: PubMed 10220146 (cited by Labcorp Genetics (formerly Invitae), Labcorp and Cardiovascular Biomedical Research Unit, Royal Brompton & Harefield NHS Foundation Trust); PubMed 10973849 (cited by Labcorp Genetics (formerly Invitae), Labcorp); PubMed 10482963 (cited by Cardiovascular Biomedical Research Unit, Royal Brompton & Harefield NHS Foundation Trust); PubMed 22581653 (cited by Cardiovascular Biomedical Research Unit, Royal Brompton & Harefield NHS Foundation Trust).

NM_000218.3(KCNQ1):c.470T>G (p.Phe157Cys)

Gene: KCNQ1 (potassium voltage-gated channel subfamily Q member 1; plus strand). Cytogenetic location: 11p15.5.
Variant type: single nucleotide variant.
Coding change: c.470T>G on transcript NM_000218.3 (MANE Select); coding-DNA position 470, T replaced by G.
Protein change: p.Phe157Cys; replaces phenylalanine 157 with cysteine.
Molecular consequence: missense variant.
Genome position (GRCh38, 1-based): chr11:2,528,011, T>G. VCF-style: chr11-2528011-T-G. GRCh37 (hg19) VCF-style: chr11-2549241-T-G.
Other names: c.470T>G (LRG_287t1); c.470T>G, p.Phe157Cys (NM_001406836.1, NM_001406838.1); c.200T>G, p.Phe67Cys (NM_001406837.1); c.89T>G, p.Phe30Cys (NM_181798.2); short protein forms F157C, F30C, F67C.
Identifiers: ClinVar variation 53046 (VCV000053046.8), dbSNP rs199472690, ClinGen allele CA007159.
Genomic context (GRCh38, chr11:2,528,011, plus strand): 5'-TCATCTTCAGCGTGCTGTCCACCATCGAGCAGTATGCCGCCCTGGCCACGGGGACTCTCT[T>G]CTGGATGGTACGTAGCATCTGAGGGCATGGCTGGATGTCATGGCTGCCTTGGAAGCTGGC-3'
Protein context (NP_000209.2, residues 147-167): QYAALATGTL[Phe157Cys]WMEIVLVVFF